The following is an entry in ClinVar:

ClinVar aggregate classification (germline): Uncertain significance (1 of 4 stars; one submission).

Conditions:
Catecholaminergic polymorphic ventricular tachycardia 1. Also called: VENTRICULAR TACHYCARDIA, CATECHOLAMINERGIC POLYMORPHIC, 1, WITH OR WITHOUT ATRIAL DYSFUNCTION AND/OR DILATED CARDIOMYOPATHY; VENTRICULAR TACHYCARDIA, STRESS-INDUCED POLYMORPHIC 1; RYR2-Related Catecholaminergic Polymorphic Ventricular Tachycardia. Identifiers: Orphanet 3286, MedGen C1631597, MONDO:0011484, OMIM 604772.

Submission:

Labcorp Genetics (formerly Invitae), Labcorp
Classification: Uncertain significance for Catecholaminergic polymorphic ventricular tachycardia 1. Last evaluated: 2023-11-27. Review status: criteria provided, single submitter. Criteria: Invitae Variant Classification Sherloc (09022015). Collection method: clinical testing. Allele origin: germline.
Comment: This sequence change falls in intron 39 of the RYR2 gene. It does not directly change the encoded amino acid sequence of the RYR2 protein. It affects a nucleotide within the consensus splice site. This variant is not present in population databases (gnomAD no frequency). This variant has not been reported in the literature in individuals affected with RYR2-related conditions. ClinVar contains an entry for this variant (Variation ID: 1040400). Variants that disrupt the consensus splice site are a relatively common cause of aberrant splicing (PMID: 17576681, 9536098). Algorithms developed to predict the effect of sequence changes on RNA splicing suggest that this variant is not likely to affect RNA splicing. In summary, the available evidence is currently insufficient to determine the role of this variant in disease. Therefore, it has been classified as a Variant of Uncertain Significance.

Literature cited by the submitters: PubMed 17576681; PubMed 9536098.

NM_001035.3(RYR2):c.6022+6G>A

Gene: RYR2 (ryanodine receptor 2; plus strand). Cytogenetic location: 1q43.
Variant type: single nucleotide variant.
Coding change: c.6022+6G>A on transcript NM_001035.3 (MANE Select); 6 bases into the intron after coding-DNA position 6022, G replaced by A.
Molecular consequence: intron variant.
Genome position (GRCh38, 1-based): chr1:237,623,876, G>A. VCF-style: chr1-237623876-G-A. GRCh37 (hg19) VCF-style: chr1-237787176-G-A.
Identifiers: ClinVar variation 1040400 (VCV001040400.48), dbSNP rs1679363703, ClinGen allele CA2487416339.
Genomic context (GRCh38, chr1:237,623,876, plus strand): 5'-GAAGAAATTCGTGACCAACTATTGGATTTCCATGAAGATTTGATGACACATTGTGGTAAG[G>A]TCTTTTTGATTAAAAGCTTTTATTAATTGTATGTTTTTAATCCATATATCCTGAGACGAA-3'